The following is an entry in ClinVar:

ClinVar aggregate classification (germline): Uncertain significance. Review status: criteria provided, multiple submitters, no conflicts (2 of 4 stars). 2 submissions from 2 submitters: Uncertain significance (2). Last evaluated 2025-10-25.

Conditions:
Hereditary cancer-predisposing syndrome. Also called: Hereditary Cancer Syndrome; Hereditary neoplastic syndrome; Neoplastic Syndromes, Hereditary; Tumor predisposition. Identifiers: Orphanet 140162, MedGen C0027672, MeSH D009386, MONDO:0015356.
Gastrointestinal stromal tumor. Also called: Gastrointestinal stromal tumor, somatic; Gastrointestinal stroma tumor. Identifiers: Orphanet 44890, MedGen C0238198, MeSH D046152, MONDO:0011719, OMIM 606764, HP:0100723.

Submissions (2):

Labcorp Genetics (formerly Invitae), Labcorp
Classification: Uncertain significance for Gastrointestinal stromal tumor. Last evaluated: 2025-10-25. Review status: criteria provided, single submitter. Criteria: Invitae Variant Classification Sherloc (09022015). Collection method: clinical testing. Allele origin: germline.
Comment: This sequence change replaces serine, which is neutral and polar, with tyrosine, which is neutral and polar, at codon 348 of the PDGFRA protein (p.Ser348Tyr). This variant is not present in population databases (gnomAD no frequency). This variant has not been reported in the literature in individuals affected with PDGFRA-related conditions. ClinVar contains an entry for this variant (Variation ID: 2447485). Invitae Evidence Modeling of protein sequence and biophysical properties (such as structural, functional, and spatial information, amino acid conservation, physicochemical variation, residue mobility, and thermodynamic stability) indicates that this missense variant is not expected to disrupt PDGFRA protein function with a negative predictive value of 80%. In summary, the available evidence is currently insufficient to determine the role of this variant in disease. Therefore, it has been classified as a Variant of Uncertain Significance.

Ambry Genetics
Classification: Uncertain significance for Hereditary cancer-predisposing syndrome. Last evaluated: 2022-12-09. Review status: criteria provided, single submitter. Criteria: Ambry Variant Classification Scheme 2023. Collection method: clinical testing. Allele origin: germline.
Comment: The p.S348Y variant (also known as c.1043C>A), located in coding exon 6 of the PDGFRA gene, results from a C to A substitution at nucleotide position 1043. The serine at codon 348 is replaced by tyrosine, an amino acid with dissimilar properties. This amino acid position is conserved. In addition, this alteration is predicted to be tolerated by in silico analysis. Since supporting evidence is limited at this time, the clinical significance of this alteration remains unclear.

NM_006206.6(PDGFRA):c.1043C>A (p.Ser348Tyr)

Gene: PDGFRA (platelet derived growth factor receptor alpha; plus strand). Cytogenetic location: 4q12.
Variant type: single nucleotide variant.
Coding change: c.1043C>A on transcript NM_006206.6 (MANE Select); coding-DNA position 1043, C replaced by A.
Protein change: p.Ser348Tyr; replaces serine 348 with tyrosine.
Molecular consequence: missense variant.
Genome position (GRCh38, 1-based): chr4:54,267,663, C>A. VCF-style: chr4-54267663-C-A. GRCh37 (hg19) VCF-style: chr4-55133830-C-A.
Other names: c.1043C>A, p.Ser348Tyr (NM_001347827.2, NM_001347829.2); c.1118C>A, p.Ser373Tyr (NM_001347828.2); c.1082C>A, p.Ser361Tyr (NM_001347830.2); short protein forms S348Y, S373Y, S361Y.
Identifiers: ClinVar variation 2447485 (VCV002447485.3), dbSNP rs2110267268, ClinGen allele CA356891670.
Genomic context (GRCh38, chr4:54,267,663, plus strand): 5'-ACCTGCATGAAGTCAAACATTTTGTTGTAGAGGTGCGGGCCTACCCACCTCCCAGGATAT[C>A]CTGGCTGAAAAACAATCTGACTCTGATTGAAAATCTCACTGAGATCACCACTGATGTGGA-3'
Protein context (NP_006197.1, residues 338-358): EVRAYPPPRI[Ser348Tyr]WLKNNLTLIE